The following is an entry in ClinVar:

ClinVar aggregate classification (germline): Uncertain significance (1 of 4 stars; one submission).

Allele frequency attached by ClinVar (database versions not stated): TOPMed 0.00001.

Submission:

Labcorp Genetics (formerly Invitae), Labcorp
Classification: Uncertain significance. Last evaluated: 2024-05-22. Review status: criteria provided, single submitter. Criteria: Invitae Variant Classification Sherloc (09022015). Collection method: clinical testing. Allele origin: germline.
Comment: This sequence change replaces alanine, which is neutral and non-polar, with valine, which is neutral and non-polar, at codon 1460 of the POLE protein (p.Ala1460Val). This variant is not present in population databases (gnomAD no frequency). This variant has not been reported in the literature in individuals affected with POLE-related conditions. Advanced modeling of protein sequence and biophysical properties (such as structural, functional, and spatial information, amino acid conservation, physicochemical variation, residue mobility, and thermodynamic stability) performed at Invitae indicates that this missense variant is not expected to disrupt POLE protein function with a negative predictive value of 80%. In summary, the available evidence is currently insufficient to determine the role of this variant in disease. Therefore, it has been classified as a Variant of Uncertain Significance.

NM_006231.4(POLE):c.4379C>T (p.Ala1460Val)

Gene: POLE (DNA polymerase epsilon, catalytic subunit; minus strand). Cytogenetic location: 12q24.33.
Variant type: single nucleotide variant.
Coding change: c.4379C>T on transcript NM_006231.4 (MANE Select); coding-DNA position 4379, C replaced by T.
Protein change: p.Ala1460Val; replaces alanine 1460 with valine.
Molecular consequence: missense variant.
Genome position (GRCh38, 1-based): chr12:132,643,472, G>A on the plus strand (C>T on the coding strand, the complement: POLE is on the minus strand). VCF-style: chr12-132643472-G-A. GRCh37 (hg19) VCF-style: chr12-133220058-G-A.
Other names: short protein forms A1460V.
Identifiers: ClinVar variation 2763041 (VCV002763041.3), dbSNP rs1193825500, ClinGen allele CA387381205.